The following is an entry in ClinVar:

ClinVar aggregate classification (germline): Uncertain significance (1 of 4 stars; one submission).

gnomAD v4.1: 1 of 1,613,988 alleles (0.000062%); highest among the groups gnomAD compares: Non-Finnish European, 0.000085%; no homozygotes.

Submission:

GeneDx
Classification: Uncertain significance. Last evaluated: 2023-05-25. Review status: criteria provided, single submitter. Criteria: GeneDx Variant Classification Process June 2021. Collection method: clinical testing. Allele origin: germline. Affected: yes.
Comment: Not observed at significant frequency in large population cohorts (gnomAD); In silico analysis supports that this missense variant does not alter protein structure/function; Has not been previously published as pathogenic or benign to our knowledge; This variant is associated with the following publications: (PMID: 8023850, 7668285, 20301412)

NM_000049.4(ASPA):c.914C>T (p.Ala305Val)

Genes: ASPA (aspartoacylase; plus strand), SPATA22 (spermatogenesis associated 22; minus strand). Cytogenetic location: 17p13.2.
Variant type: single nucleotide variant.
Coding change: c.914C>T on transcript NM_000049.4 (MANE Select); coding-DNA position 914, C replaced by T.
Protein change: p.Ala305Val; replaces alanine 305 with valine.
Molecular consequence: missense variant. On other transcripts: intron variant (2).
Genome position (GRCh38, 1-based): chr17:3,499,060, C>T. VCF-style: chr17-3499060-C-T. GRCh37 (hg19) VCF-style: chr17-3402354-C-T.
Other names: c.914C>T, p.Ala305Val (NM_001128085.1); c.-74+14352G>A (NM_001321336.2, NM_001321337.2); short protein forms A305V.
Identifiers: ClinVar variation 3343501 (VCV003343501.1).